The following is an entry in ClinVar:

NM_001129.5(AEBP1):c.2387dup (p.Asp796fs)

Gene: AEBP1 (AE binding protein 1; plus strand). Cytogenetic location: 7p13.
Variant type: Duplication.
Coding change: c.2387dup on transcript NM_001129.5 (MANE Select); coding-DNA position 2387, one base duplicated (A; older notation c.2387dupA).
Protein change: p.Asp796fs; shifts the reading frame from aspartic acid 796.
Molecular consequence: frameshift variant.
Genome position (GRCh38, 1-based): chr7:44,112,727, A duplicated. VCF-style (leftmost placement, unchanged base first): chr7-44112726-G-GA. GRCh37 (hg19) VCF-style: chr7-44152325-G-GA.
Other names: short protein forms D796fs.
Identifiers: ClinVar variation 1959131 (VCV001959131.6), dbSNP rs2484359175, ClinGen allele CA2580077147.

ClinVar aggregate classification (germline): Pathogenic. Review status: criteria provided, multiple submitters, no conflicts (2 of 4 stars). 2 submissions from 2 submitters: Pathogenic (2). Last evaluated 2025-10-01.

Conditions:
Ehlers-Danlos syndrome, classic-like, 2. Identifiers: Orphanet 536532, MedGen C4693870, MONDO:0054813, OMIM 618000.

Submissions (2):

3billion
Classification: Pathogenic for Ehlers-Danlos syndrome, classic-like, 2. Last evaluated: 2025-10-01. Review status: criteria provided, single submitter. Criteria: ACMG Guidelines, 2015. Collection method: clinical testing. Allele origin: germline. Affected: yes.
Comment: The variant is not observed in the gnomAD v4.1.0 dataset. Predicted Consequence/Location: Frameshift: predicted to result in a loss or disruption of normal protein function through nonsense-mediated decay (NMD) or protein truncation. Multiple pathogenic variants are reported downstream of the variant. The variant has been reported to be associated with AEBP1-related disorder (ClinVar ID: VCV001959131). Therefore, this variant is classified as Pathogenic according to the recommendation of ACMG/AMP guideline.

Labcorp Genetics (formerly Invitae), Labcorp
Classification: Pathogenic. Last evaluated: 2022-09-07. Review status: criteria provided, single submitter. Criteria: Invitae Variant Classification Sherloc (09022015). Collection method: clinical testing. Allele origin: germline.
Comment: This sequence change creates a premature translational stop signal (p.Asp796Glufs*2) in the AEBP1 gene. It is expected to result in an absent or disrupted protein product. Loss-of-function variants in AEBP1 are known to be pathogenic (PMID: 29606302). This variant is not present in population databases (gnomAD no frequency). This variant has not been reported in the literature in individuals affected with AEBP1-related conditions. For these reasons, this variant has been classified as Pathogenic.

Literature cited by the submitters: PubMed 29606302 (cited by Labcorp Genetics (formerly Invitae), Labcorp).